The following is an entry in ClinVar:

NM_013296.5(GPSM2):c.2045C>T (p.Ala682Val)

Genes: CLCC1 (chloride channel CLIC like 1; minus strand), GPSM2 (G protein signaling modulator 2; plus strand). Cytogenetic location: 1p13.3.
Variant type: single nucleotide variant.
Coding change: c.2045C>T on transcript NM_013296.5 (MANE Select); coding-DNA position 2045, C replaced by T.
Protein change: p.Ala682Val; replaces alanine 682 with valine.
Molecular consequence: missense variant. On other transcripts: 3 prime UTR variant (17), non-coding transcript variant (1).
Genome position (GRCh38, 1-based): chr1:108,929,930, C>T. VCF-style: chr1-108929930-C-T. GRCh37 (hg19) VCF-style: chr1-109472552-C-T.
Other names: c.*2617G>A (NM_001048210.3, NM_001278202.2, NM_001278203.1 and 10 more transcripts); c.*2622G>A (NM_001377459.1, NM_001377460.1, NM_001377462.1 and 1 more transcripts); c.2045C>T, p.Ala682Val (NM_001321038.2, NM_001321039.3); short protein forms A682V.
Identifiers: ClinVar variation 3777559 (VCV003777559.1).
Genomic context (GRCh38, chr1:108,929,930, plus strand): 5'-TAAAGGACTTTTTGCAAAATAATGCTTTGTTGGAGTTTAAAAATTCAGGGAAAAAATCGG[C>T]AGACCATTAGTTACTATGGATTTATTTTTTTTCCTTTCAAACACGGTAAGGAAACAATCT-3'
Protein context (NP_037428.3, residues 672-684): LEFKNSGKKS[Ala682Val]DH

ClinVar aggregate classification (germline): Uncertain significance (1 of 4 stars; one submission).

gnomAD v4.1: 6 of 1,613,244 alleles (0.00037%); highest among the groups gnomAD compares: Admixed American, 0.01%; no homozygotes.

Submission:

GeneDx
Classification: Uncertain significance. Last evaluated: 2024-10-14. Review status: criteria provided, single submitter. Criteria: GeneDx Variant Classification Process June 2021. Collection method: clinical testing. Allele origin: germline. Affected: yes.
Comment: Not observed at significant frequency in large population cohorts (gnomAD); In silico analysis indicates that this missense variant does not alter protein structure/function; Has not been previously published as pathogenic or benign to our knowledge